The following is an entry in ClinVar:

NM_001163809.2(WDR81):c.5634C>T (p.Tyr1878=)

Gene: WDR81 (WD repeat domain 81; plus strand). Cytogenetic location: 17p13.3.
Variant type: single nucleotide variant.
Coding change: c.5634C>T on transcript NM_001163809.2 (MANE Select); coding-DNA position 5634, C replaced by T.
Protein change: p.Tyr1878=; no amino-acid change (tyrosine 1878 retained).
Molecular consequence: synonymous variant.
Genome position (GRCh38, 1-based): chr17:1,737,493, C>T. VCF-style: chr17-1737493-C-T. GRCh37 (hg19) VCF-style: chr17-1640787-C-T.
Other names: c.2025C>T, p.Tyr675= (NM_001163673.2); c.1953C>T, p.Tyr651= (NM_001163811.2); c.2481C>T, p.Tyr827= (NM_152348.4).
Identifiers: ClinVar variation 4980477 (VCV004980477.1).

ClinVar aggregate classification (germline): Likely benign (1 of 4 stars; one submission).

Conditions:
WDR81-related disorder. Also called: WDR81-related condition.

gnomAD v4.1: 138 of 1,613,080 alleles (0.0086%); highest among the groups gnomAD compares: Middle Eastern, 0.016%; no homozygotes.

Submission:

PreventionGenetics, part of Exact Sciences
Classification: Likely benign for WDR81-related condition. Last evaluated: 2024-12-06. Review status: criteria provided, single submitter. Criteria: ACMG Guidelines, 2015. Collection method: clinical testing. Allele origin: germline.
Comment: This variant is classified as likely benign based on ACMG/AMP sequence variant interpretation guidelines (Richards et al. 2015 PMID: 25741868, with internal and published modifications).